The following is an entry in ClinVar:

NM_002473.6(MYH9):c.2071C>G (p.Gln691Glu)

Gene: MYH9 (myosin heavy chain 9; minus strand). Cytogenetic location: 22q12.3.
Variant type: single nucleotide variant.
Coding change: c.2071C>G on transcript NM_002473.6 (MANE Select); coding-DNA position 2071, C replaced by G.
Protein change: p.Gln691Glu; replaces glutamine 691 with glutamic acid.
Molecular consequence: missense variant.
Genome position (GRCh38, 1-based): chr22:36,306,018, G>C on the plus strand (C>G on the coding strand, the complement: MYH9 is on the minus strand). VCF-style: chr22-36306018-G-C. GRCh37 (hg19) VCF-style: chr22-36702064-G-C.
Other names: short protein forms Q691E.
Identifiers: ClinVar variation 4746177 (VCV004746177.1).

ClinVar aggregate classification (germline): Uncertain significance (1 of 4 stars; one submission).

Submission:

Labcorp Genetics (formerly Invitae), Labcorp
Classification: Uncertain significance. Last evaluated: 2025-04-10. Review status: criteria provided, single submitter. Criteria: Invitae Variant Classification Sherloc (09022015). Collection method: clinical testing. Allele origin: germline.
Comment: This sequence change replaces glutamine, which is neutral and polar, with glutamic acid, which is acidic and polar, at codon 691 of the MYH9 protein (p.Gln691Glu). This variant is not present in population databases (gnomAD no frequency). This variant has not been reported in the literature in individuals affected with MYH9-related conditions. Invitae Evidence Modeling of protein sequence and biophysical properties (such as structural, functional, and spatial information, amino acid conservation, physicochemical variation, residue mobility, and thermodynamic stability) indicates that this missense variant is expected to disrupt MYH9 protein function with a positive predictive value of 95%. In summary, the available evidence is currently insufficient to determine the role of this variant in disease. Therefore, it has been classified as a Variant of Uncertain Significance.